The following is an entry in ClinVar:

ClinVar aggregate classification (germline): Uncertain significance (1 of 4 stars; one submission).

Conditions:
Early-infantile DEE. Also called: Ohtahara syndrome; Early infantile epileptic encephalopathy with suppression bursts; Early infantile epileptic encephalopathy. Identifiers: Orphanet 1934, MedGen C0393706, MONDO:0800491.

Allele frequency attached by ClinVar (database versions not stated): gnomAD exomes below 0.00001.
gnomAD v4.1: 1 of 1,613,642 alleles (0.000062%); highest among the groups gnomAD compares: Non-Finnish European, 0.000085%; no homozygotes.

Submission:

Labcorp Genetics (formerly Invitae), Labcorp
Classification: Uncertain significance for Early-infantile DEE. Last evaluated: 2024-09-10. Review status: criteria provided, single submitter. Criteria: Invitae Variant Classification Sherloc (09022015). Collection method: clinical testing. Allele origin: germline.
Comment: This sequence change replaces threonine, which is neutral and polar, with methionine, which is neutral and non-polar, at codon 220 of the GNAO1 protein (p.Thr220Met). This variant is not present in population databases (gnomAD no frequency). This variant has not been reported in the literature in individuals affected with GNAO1-related conditions. Invitae Evidence Modeling of protein sequence and biophysical properties (such as structural, functional, and spatial information, amino acid conservation, physicochemical variation, residue mobility, and thermodynamic stability) indicates that this missense variant is expected to disrupt GNAO1 protein function with a positive predictive value of 95%. In summary, the available evidence is currently insufficient to determine the role of this variant in disease. Therefore, it has been classified as a Variant of Uncertain Significance.

NM_020988.3(GNAO1):c.659C>T (p.Thr220Met)

Gene: GNAO1 (G protein subunit alpha o1; plus strand). Cytogenetic location: 16q13.
Variant type: single nucleotide variant.
Coding change: c.659C>T on transcript NM_020988.3 (MANE Select); coding-DNA position 659, C replaced by T.
Protein change: p.Thr220Met; replaces threonine 220 with methionine.
Molecular consequence: missense variant.
Genome position (GRCh38, 1-based): chr16:56,336,796, C>T. VCF-style: chr16-56336796-C-T. GRCh37 (hg19) VCF-style: chr16-56370708-C-T.
Other names: c.659C>T, p.Thr220Met (NM_138736.3); short protein forms T220M.
Identifiers: ClinVar variation 2692996 (VCV002692996.3), dbSNP rs2506876872, ClinGen allele CA395952284.
Genomic context (GRCh38, chr16:56,336,796, plus strand): 5'-TTGACGTCGGAGGCCAGCGATCTGAACGCAAGAAGTGGATCCATTGCTTCGAGGACGTCA[C>T]GGCCATCATTTTCTGTGTCGCGCTCAGCGGCTATGACCAGGTGCTCCACGAAGACGAAAC-3'
Protein context (NP_066268.1, residues 210-230): KKWIHCFEDV[Thr220Met]AIIFCVALSG